The following is an entry in ClinVar:

ClinVar aggregate classification (germline): Uncertain significance (1 of 4 stars; one submission).

Conditions:
Inflammatory bowel disease. Identifiers: Orphanet 104012, MedGen C0021390, MONDO:0005265.

Allele frequency attached by ClinVar (database versions not stated): gnomAD exomes below 0.00001 and 0.00001; ExAC 0.00001.
gnomAD v4.1: 3 of 1,614,104 alleles (0.00019%); highest among the groups gnomAD compares: Non-Finnish European, 0.00017%; no homozygotes.

Submission:

Labcorp Genetics (formerly Invitae), Labcorp
Classification: Uncertain significance for Inflammatory bowel disease. Last evaluated: 2020-12-02. Review status: criteria provided, single submitter. Criteria: Invitae Variant Classification Sherloc (09022015). Collection method: clinical testing. Allele origin: germline.
Comment: This sequence change replaces glutamine with lysine at codon 101 of the IL10 protein (p.Gln101Lys). The glutamine residue is weakly conserved and there is a small physicochemical difference between glutamine and lysine. This variant is present in population databases (rs777582308, ExAC 0.001%). This variant has not been reported in the literature in individuals with IL10-related conditions. Algorithms developed to predict the effect of missense changes on protein structure and function (SIFT, PolyPhen-2, Align-GVGD) all suggest that this variant is likely to be tolerated, but these predictions have not been confirmed by published functional studies and their clinical significance is uncertain. In summary, the available evidence is currently insufficient to determine the role of this variant in disease. Therefore, it has been classified as a Variant of Uncertain Significance.

NM_000572.3(IL10):c.301C>A (p.Gln101Lys)

Genes: IL10 (interleukin 10; minus strand), IL19 (interleukin 19; plus strand), LOC129932369 (ATAC-STARR-seq lymphoblastoid active region 2419; plus strand). Cytogenetic location: 1q32.1.
Variant type: single nucleotide variant.
Coding change: c.301C>A on transcript NM_000572.3 (MANE Select); coding-DNA position 301, C replaced by A.
Protein change: p.Gln101Lys; replaces glutamine 101 with lysine.
Molecular consequence: missense variant. On other transcripts: 5 prime UTR variant (1), non-coding transcript variant (1), intron variant (1).
Genome position (GRCh38, 1-based): chr1:206,770,984, G>T on the plus strand (C>A on the coding strand, the complement: IL10 is on the minus strand). VCF-style: chr1-206770984-G-T. GRCh37 (hg19) VCF-style: chr1-206944329-G-T.
Other names: c.-243G>T (NM_153758.5); c.46C>A, p.Gln16Lys (NM_001382624.1); c.-149+154G>T (NM_001393490.1); short protein forms Q101K, Q16K.
Identifiers: ClinVar variation 1441711 (VCV001441711.7), dbSNP rs777582308, ClinGen allele CA1363783.